The following is an entry in ClinVar:

NM_000516.7(GNAS):c.373_375del (p.Gln125del)

Gene: GNAS (GNAS complex locus; plus strand). Cytogenetic location: 20q13.32.
Variant type: Deletion.
Coding change: c.373_375del on transcript NM_000516.7 (MANE Select); coding-DNA positions 373 to 375, 3 bases deleted (CAG; older notation c.373_375delCAG).
Protein change: p.Gln125del; deletes glutamine 125.
Molecular consequence: 3 prime UTR variant (on NM_001077490.3).
Genome position (GRCh38, 1-based): chr20:58,903,732-58,903,734, CAG deleted. VCF-style (leftmost placement, unchanged base first): chr20-58903731-CCAG-C. GRCh37 (hg19) VCF-style: chr20-57478786-CCAG-C.
Other names: c.376_378del, p.Gln126del (NM_001077488.5); c.328_330del, p.Gln110del (NM_001077489.4); c.*234_*236del (NM_001077490.3); c.196_198del, p.Gln66del (NM_001309840.2, NM_001309861.2, NM_001438276.1 and 1 more transcripts); c.277_279del, p.Gln93del (NM_001410912.1); c.2257_2259del, p.Gln753del (NM_001410913.1); c.151_153del, p.Gln51del (NM_001438273.1, NM_001438274.1, NM_001438275.1); c.*279_*281del (NM_016592.5); and 2 more; short protein forms Q110del, Q111del, Q125del, Q126del, Q51del, Q66del, Q753del, Q768del.
Identifiers: ClinVar variation 4540254 (VCV004540254.1).

ClinVar aggregate classification (germline): Uncertain significance (1 of 4 stars; one submission).

Submission:

GeneDx
Classification: Uncertain significance. Last evaluated: 2025-06-25. Review status: criteria provided, single submitter. Criteria: GeneDx Variant Classification Process June 2021. Collection method: clinical testing. Allele origin: germline. Affected: yes.
Comment: Has not been previously published as pathogenic or benign to our knowledge; In-frame deletion of 1 amino acid(s) in a non-repeat region; Not observed at significant frequency in large population cohorts (gnomAD); In silico analysis supports a deleterious effect on protein structure/function